The following is an entry in ClinVar:

ClinVar aggregate classification (germline): Uncertain significance (1 of 4 stars; one submission).

Conditions:
Infantile neuroaxonal dystrophy (NBIA2A). Also called: NEURODEGENERATION WITH BRAIN IRON ACCUMULATION 2A; SEITELBERGER DISEASE; Infantile neuroaxonal dystrophy 1. Identifiers: Orphanet 35069, MedGen C0270724, MONDO:0024457, OMIM 256600.

Submission:

Labcorp Genetics (formerly Invitae), Labcorp
Classification: Uncertain significance for Infantile neuroaxonal dystrophy. Last evaluated: 2022-05-12. Review status: criteria provided, single submitter. Criteria: Invitae Variant Classification Sherloc (09022015). Collection method: clinical testing. Allele origin: germline.
Comment: In summary, the available evidence is currently insufficient to determine the role of this variant in disease. Therefore, it has been classified as a Variant of Uncertain Significance. Algorithms developed to predict the effect of missense changes on protein structure and function are either unavailable or do not agree on the potential impact of this missense change (SIFT: "Tolerated"; PolyPhen-2: "Possibly Damaging"; Align-GVGD: "Class C0"). This variant has not been reported in the literature in individuals affected with PLA2G6-related conditions. This variant is not present in population databases (gnomAD no frequency). This sequence change replaces glutamic acid, which is acidic and polar, with aspartic acid, which is acidic and polar, at codon 786 of the PLA2G6 protein (p.Glu786Asp).

NM_003560.4(PLA2G6):c.2358G>T (p.Glu786Asp)

Gene: PLA2G6 (phospholipase A2 group VI; minus strand). Cytogenetic location: 22q13.1.
Variant type: single nucleotide variant.
Coding change: c.2358G>T on transcript NM_003560.4 (MANE Select); coding-DNA position 2358, G replaced by T.
Protein change: p.Glu786Asp; replaces glutamic acid 786 with aspartic acid.
Molecular consequence: missense variant.
Genome position (GRCh38, 1-based): chr22:38,112,224, C>A on the plus strand (G>T on the coding strand, the complement: PLA2G6 is on the minus strand). VCF-style: chr22-38112224-C-A. GRCh37 (hg19) VCF-style: chr22-38508231-C-A.
Other names: c.2196G>T, p.Glu732Asp (NM_001004426.3, NM_001199562.3, NM_001349865.2 and 1 more transcripts); c.2358G>T, p.Glu786Asp (NM_001349864.2); c.1824G>T, p.Glu608Asp (NM_001349867.2); c.1680G>T, p.Glu560Asp (NM_001349868.2); c.1662G>T, p.Glu554Asp (NM_001349869.2); short protein forms E608D, E554D, E560D, E786D, E732D.
Identifiers: ClinVar variation 2180225 (VCV002180225.4), dbSNP rs2517906637, ClinGen allele CA411523093.